The following is an entry in ClinVar:

NM_025009.5(CEP135):c.378T>G (p.His126Gln)

Gene: CEP135 (centrosomal protein 135; plus strand). Cytogenetic location: 4q12.
Variant type: single nucleotide variant.
Coding change: c.378T>G on transcript NM_025009.5 (MANE Select); coding-DNA position 378, T replaced by G.
Protein change: p.His126Gln; replaces histidine 126 with glutamine.
Molecular consequence: missense variant.
Genome position (GRCh38, 1-based): chr4:55,954,289, T>G. VCF-style: chr4-55954289-T-G. GRCh37 (hg19) VCF-style: chr4-56820455-T-G.
Other names: short protein forms H126Q.
Identifiers: ClinVar variation 2197222 (VCV002197222.2), dbSNP rs777944530, ClinGen allele CA2927532.

ClinVar aggregate classification (germline): Uncertain significance (1 of 4 stars; one submission).

Allele frequency attached by ClinVar (database versions not stated): gnomAD 0.00001; gnomAD exomes 0.00001; TOPMed 0.00001; ExAC 0.00002.
gnomAD v4.1: 12 of 1,610,894 alleles (0.00074%); highest among the groups gnomAD compares: South Asian, 0.012%; no homozygotes.

Submission:

Labcorp Genetics (formerly Invitae), Labcorp
Classification: Uncertain significance. Last evaluated: 2022-09-06. Review status: criteria provided, single submitter. Criteria: Invitae Variant Classification Sherloc (09022015). Collection method: clinical testing. Allele origin: germline.
Comment: In summary, the available evidence is currently insufficient to determine the role of this variant in disease. Therefore, it has been classified as a Variant of Uncertain Significance. Algorithms developed to predict the effect of missense changes on protein structure and function are either unavailable or do not agree on the potential impact of this missense change (SIFT: "Tolerated"; PolyPhen-2: "Possibly Damaging"; Align-GVGD: "Class C0"). This variant has not been reported in the literature in individuals affected with CEP135-related conditions. This variant is present in population databases (rs777944530, gnomAD 0.01%). This sequence change replaces histidine, which is basic and polar, with glutamine, which is neutral and polar, at codon 126 of the CEP135 protein (p.His126Gln).